The following is an entry in ClinVar:

NC_000015.10:g.84817069C>G

Gene: ALPK3 (alpha kinase 3; plus strand). Cytogenetic location: 15q25.3.
Variant type: single nucleotide variant.
Genome position: GRCh38 VCF-style: chr15-84817069-C-G. GRCh37 (hg19) VCF-style: chr15-85360300-C-G.
Other names: short protein forms P75A.
Identifiers: ClinVar variation 3227454 (VCV003227454.3), dbSNP rs149818266, ClinGen allele CA393368470.

ClinVar aggregate classification (germline): Uncertain significance. Review status: criteria provided, multiple submitters, no conflicts (2 of 4 stars). 2 submissions from 2 submitters: Uncertain significance (2). Last evaluated 2024-02-02.

Conditions:
Cardiovascular phenotype. Identifiers: MedGen CN230736.

Submissions (2):

Labcorp Genetics (formerly Invitae), Labcorp
Classification: Uncertain significance. Last evaluated: 2024-02-02. Review status: criteria provided, single submitter. Criteria: Invitae Variant Classification Sherloc (09022015). Collection method: clinical testing. Allele origin: germline.
Comment: This sequence change replaces proline, which is neutral and non-polar, with alanine, which is neutral and non-polar, at codon 75 of the ALPK3 protein (p.Pro75Ala). This variant is not present in population databases (gnomAD no frequency). This variant has not been reported in the literature in individuals affected with ALPK3-related conditions. An algorithm developed to predict the effect of missense changes on protein structure and function (PolyPhen-2) suggests that this variant is likely to be disruptive. In summary, the available evidence is currently insufficient to determine the role of this variant in disease. Therefore, it has been classified as a Variant of Uncertain Significance.

Ambry Genetics
Classification: Uncertain significance for Cardiovascular phenotype. Last evaluated: 2024-02-01. Review status: criteria provided, single submitter. Criteria: Ambry Variant Classification Scheme 2023. Collection method: clinical testing. Allele origin: germline.
Comment: The p.P75A variant (also known as c.223C>G), located in coding exon 1 of the ALPK3 gene, results from a C to G substitution at nucleotide position 223. The proline at codon 75 is replaced by alanine, an amino acid with highly similar properties. This amino acid position is conserved. In addition, this alteration is predicted to be tolerated by in silico analysis. Based on the available evidence, the clinical significance of this alteration remains unclear.